The following is an entry in ClinVar:

NM_000384.3(APOB):c.1981T>G (p.Phe661Val)

Gene: APOB (apolipoprotein B; minus strand). Cytogenetic location: 2p24.1.
Variant type: single nucleotide variant.
Coding change: c.1981T>G on transcript NM_000384.3 (MANE Select); coding-DNA position 1981, T replaced by G.
Protein change: p.Phe661Val; replaces phenylalanine 661 with valine.
Molecular consequence: missense variant.
Genome position (GRCh38, 1-based): chr2:21,027,914, A>C on the plus strand (T>G on the coding strand, the complement: APOB is on the minus strand). VCF-style: chr2-21027914-A-C. GRCh37 (hg19) VCF-style: chr2-21250786-A-C.
Other names: short protein forms F661V.
Identifiers: ClinVar variation 1435378 (VCV001435378.8), dbSNP rs1663775549, ClinGen allele CA346013619.

ClinVar aggregate classification (germline): Uncertain significance (1 of 4 stars; one submission).

Conditions:
Familial hypobetalipoproteinemia 1. Also called: APOB-Related Familial Hypobetalipoproteinemia; Hypobetalipoproteinemia, normotriglyceridemic; Acanthocytosis with hypobetalipoproteinemia. Identifiers: MedGen C4551990, MONDO:0014252, OMIM 615558.
Hypercholesterolemia, autosomal dominant, type B (FHCL2). Also called: Familial Hypercholesterolemia Type B; APOLIPOPROTEIN B-100, FAMILIAL DEFECTIVE; APOLIPOPROTEIN B-100, FAMILIAL LIGAND-DEFECTIVE; HYPERCHOLESTEROLEMIA, FAMILIAL, DUE TO LIGAND-DEFECTIVE APOLIPOPROTEIN B; Familial hypercholesterolemia 2; Hyperlipoproteinemia Type IIb. Identifiers: MedGen C1704417, MONDO:0007751, OMIM 144010.

Allele frequency attached by ClinVar (database versions not stated): TOPMed 0.00001.

Submission:

Labcorp Genetics (formerly Invitae), Labcorp
Classification: Uncertain significance for Familial hypobetalipoproteinemia 1; Hypercholesterolemia, autosomal dominant, type B. Last evaluated: 2024-07-11. Review status: criteria provided, single submitter. Criteria: Invitae Variant Classification Sherloc (09022015). Collection method: clinical testing. Allele origin: germline.
Comment: This sequence change replaces phenylalanine, which is neutral and non-polar, with valine, which is neutral and non-polar, at codon 661 of the APOB protein (p.Phe661Val). This variant is not present in population databases (gnomAD no frequency). This variant has not been reported in the literature in individuals affected with APOB-related conditions. ClinVar contains an entry for this variant (Variation ID: 1435378). Advanced modeling of protein sequence and biophysical properties (such as structural, functional, and spatial information, amino acid conservation, physicochemical variation, residue mobility, and thermodynamic stability) performed at Invitae indicates that this missense variant is not expected to disrupt APOB protein function with a negative predictive value of 95%. In summary, the available evidence is currently insufficient to determine the role of this variant in disease. Therefore, it has been classified as a Variant of Uncertain Significance.